The following is an entry in ClinVar:

ClinVar aggregate classification (germline): Uncertain significance (1 of 4 stars; one submission).

Conditions:
Inborn genetic diseases. Identifiers: MedGen C0950123, MeSH D030342.

gnomAD v4.1: 1 of 1,537,454 alleles (0.000065%); highest among the groups gnomAD compares: Non-Finnish European, 0.000087%; no homozygotes.

Submission:

Ambry Genetics
Classification: Uncertain significance for Inborn genetic diseases. Last evaluated: 2026-07-06. Review status: criteria provided, single submitter. Criteria: Ambry Variant Classification Scheme 2023. Collection method: clinical testing. Allele origin: germline.
Comment: The p.L441Q variant (also known as c.1322T>A), located in coding exon 8 of the RUNX1 gene, results from a T to A substitution at nucleotide position 1322. The leucine at codon 441 is replaced by glutamine, an amino acid with dissimilar properties. This amino acid position is conserved. In addition, the in silico prediction for this alteration is inconclusive. Based on the available evidence, the clinical significance of this variant remains unclear.

NM_001754.5(RUNX1):c.1322T>A (p.Leu441Gln)

Gene: RUNX1 (RUNX family transcription factor 1; minus strand). Cytogenetic location: 21q22.12.
Variant type: single nucleotide variant.
Coding change: c.1322T>A on transcript NM_001754.5 (MANE Select); coding-DNA position 1322, T replaced by A.
Protein change: p.Leu441Gln; replaces leucine 441 with glutamine.
Molecular consequence: missense variant.
Genome position (GRCh38, 1-based): chr21:34,792,256, A>T on the plus strand (T>A on the coding strand, the complement: RUNX1 is on the minus strand). VCF-style: chr21-34792256-A-T. GRCh37 (hg19) VCF-style: chr21-36164553-A-T.
Other names: c.1241T>A, p.Leu414Gln (NM_001001890.3); short protein forms L414Q, L441Q.
Identifiers: ClinVar variation 5028571 (VCV005028571.1).